The following is an entry in ClinVar:

ClinVar aggregate classification (germline): Uncertain significance (1 of 4 stars; one submission).

Conditions:
Atrial fibrillation, familial, 18 (ATFB18). Identifiers: MedGen C4310636, MONDO:0015001, OMIM 617280.

gnomAD v4.1: 11 of 1,614,228 alleles (0.00068%); highest among the groups gnomAD compares: Non-Finnish European, 0.00093%; no homozygotes.

Submission:

Labcorp Genetics (formerly Invitae), Labcorp
Classification: Uncertain significance for Atrial fibrillation, familial, 18. Last evaluated: 2023-01-17. Review status: criteria provided, single submitter. Criteria: Invitae Variant Classification Sherloc (09022015). Collection method: clinical testing. Allele origin: germline.
Comment: This sequence change replaces glycine, which is neutral and non-polar, with glutamic acid, which is acidic and polar, at codon 79 of the MYL4 protein (p.Gly79Glu). This variant is not present in population databases (gnomAD no frequency). This variant has not been reported in the literature in individuals affected with MYL4-related conditions. Algorithms developed to predict the effect of missense changes on protein structure and function are either unavailable or do not agree on the potential impact of this missense change (SIFT: "Deleterious"; PolyPhen-2: "Probably Damaging"; Align-GVGD: "Class C15"). In summary, the available evidence is currently insufficient to determine the role of this variant in disease. Therefore, it has been classified as a Variant of Uncertain Significance.

NM_002476.2(MYL4):c.236G>A (p.Gly79Glu)

Gene: MYL4 (myosin light chain 4; plus strand). Cytogenetic location: 17q21.32.
Variant type: single nucleotide variant.
Coding change: c.236G>A on transcript NM_002476.2 (MANE Select); coding-DNA position 236, G replaced by A.
Protein change: p.Gly79Glu; replaces glycine 79 with glutamic acid.
Molecular consequence: missense variant.
Genome position (GRCh38, 1-based): chr17:47,219,976, G>A. VCF-style: chr17-47219976-G-A. GRCh37 (hg19) VCF-style: chr17-45297342-G-A.
Other names: c.236G>A, p.Gly79Glu (NM_001002841.2); short protein forms G79E.
Identifiers: ClinVar variation 2829405 (VCV002829405.3), dbSNP rs2149047454, ClinGen allele CA400021042.
Genomic context (GRCh38, chr17:47,219,976, plus strand): 5'-CCTTTTCATTGTTTGACCGGACCCCGACTGGAGAGATGAAGATCACCTACGGCCAGTGCG[G>A]GGATGTACTGCGGGCCCTGGGCCAGAACCCTACCAATGCCGAGGTGCTGCGTGTGCTGGG-3'
Protein context (NP_002467.1, residues 69-89): GEMKITYGQC[Gly79Glu]DVLRALGQNP